The following is an entry in ClinVar:

NM_019066.5(MAGEL2):c.2113A>C (p.Asn705His)

Gene: MAGEL2 (MAGE family member L2; minus strand). Cytogenetic location: 15q11.2.
Variant type: single nucleotide variant.
Coding change: c.2113A>C on transcript NM_019066.5 (MANE Select); coding-DNA position 2113, A replaced by C.
Protein change: p.Asn705His; replaces asparagine 705 with histidine.
Molecular consequence: missense variant.
Genome position (GRCh38, 1-based): chr15:23,645,630, T>G on the plus strand (A>C on the coding strand, the complement: MAGEL2 is on the minus strand). VCF-style: chr15-23645630-T-G. GRCh37 (hg19) VCF-style: chr15-23890777-T-G.
Other names: short protein forms N705H.
Identifiers: ClinVar variation 3361311 (VCV003361311.2).

ClinVar aggregate classification (germline): Uncertain significance (1 of 4 stars; one submission).

Submission:

GeneDx
Classification: Uncertain significance. Last evaluated: 2026-01-23. Review status: criteria provided, single submitter. Criteria: GeneDx Variant Classification Process June 2021. Collection method: clinical testing. Allele origin: germline.
Comment: Not observed at significant frequency in large population cohorts (gnomAD); In silico analysis suggests that this missense variant does not alter protein structure/function; Has not been previously published as pathogenic or benign to our knowledge